The following is an entry in ClinVar:

ClinVar aggregate classification (germline): Pathogenic (1 of 4 stars; one submission).

Conditions:
Trichothiodystrophy 4, nonphotosensitive. Also called: HAIR-BRAIN SYNDROME; Trichothiodystrophy nonphotosensitive; AMISH BRITTLE HAIR BRAIN SYNDROME; BIDS SYNDROME. Identifiers: MedGen C1313961, MONDO:0021013, OMIM 234050.

gnomAD v4.1: 48 of 1,588,562 alleles (0.003%); highest among the groups gnomAD compares: Non-Finnish European, 0.0033%; no homozygotes.

Submission:

Equipe Genetique des Anomalies du Developpement, Université de Bourgogne
Classification: Pathogenic for Trichothiodystrophy 4, nonphotosensitive. Last evaluated: 2025-10-09. Review status: criteria provided, single submitter. Criteria: ACMG Guidelines, 2015. Collection method: clinical testing. Allele origin: paternal. Affected: yes.
Comment: This variant is absent from the gnomAD v4.1.0 database in the homozygous state. This variant lies within a region predicted to escape nonsense-mediated mRNA decay (NMD), suggesting the possibility of a truncated but stable mRNA. Biallelic loss-of-function variants in MPLKIP cause non-photosensitive trichothiodystrophy type 4 (OMIM #234050), an autosomal recessive condition. The patient’s clinical features and hair shaft analysis support this diagnosis. Based on the genetic and clinical data, this variant is classified as pathogenic (Class 5, ACMG criteria) in a biallelic context.

NM_138701.4(MPLKIP):c.4C>T (p.Gln2Ter)

Gene: MPLKIP (M-phase specific PLK1 interacting protein; minus strand). Cytogenetic location: 7p14.1.
Variant type: single nucleotide variant.
Coding change: c.4C>T on transcript NM_138701.4 (MANE Select); coding-DNA position 4, C replaced by T.
Protein change: p.Gln2Ter; replaces glutamine 2 with a stop codon.
Molecular consequence: nonsense.
Genome position (GRCh38, 1-based): chr7:40,134,564, G>A on the plus strand (C>T on the coding strand, the complement: MPLKIP is on the minus strand). VCF-style: chr7-40134564-G-A. GRCh37 (hg19) VCF-style: chr7-40174163-G-A.
Other names: short protein forms Q2*.
Identifiers: ClinVar variation 4528346 (VCV004528346.1).